The following is an entry in ClinVar:

ClinVar aggregate classification (germline): Uncertain significance (1 of 4 stars; one submission).

Conditions:
DICER1-related tumor predisposition. Also called: DICER1-related pleuropulmonary blastoma cancer predisposition syndrome; DICER1 syndrome. Identifiers: Orphanet 284343, MedGen C3839822, MONDO:0100216.

Submission:

Labcorp Genetics (formerly Invitae), Labcorp
Classification: Uncertain significance for DICER1-related tumor predisposition. Last evaluated: 2025-07-16. Review status: criteria provided, single submitter. Criteria: Invitae Variant Classification Sherloc (09022015). Collection method: clinical testing. Allele origin: germline.
Comment: This sequence change replaces proline, which is neutral and non-polar, with alanine, which is neutral and non-polar, at codon 1044 of the DICER1 protein (p.Pro1044Ala). This variant is not present in population databases (gnomAD no frequency). This variant has not been reported in the literature in individuals affected with DICER1-related conditions. Invitae Evidence Modeling of protein sequence and biophysical properties (such as structural, functional, and spatial information, amino acid conservation, physicochemical variation, residue mobility, and thermodynamic stability) indicates that this missense variant is not expected to disrupt DICER1 protein function with a negative predictive value of 95%. In summary, the available evidence is currently insufficient to determine the role of this variant in disease. Therefore, it has been classified as a Variant of Uncertain Significance.

NM_177438.3(DICER1):c.3130C>G (p.Pro1044Ala)

Gene: DICER1 (dicer 1, ribonuclease III; minus strand). Cytogenetic location: 14q32.13.
Variant type: single nucleotide variant.
Coding change: c.3130C>G on transcript NM_177438.3 (MANE Select); coding-DNA position 3130, C replaced by G.
Protein change: p.Pro1044Ala; replaces proline 1044 with alanine.
Molecular consequence: missense variant. On other transcripts: non-coding transcript variant (6).
Genome position (GRCh38, 1-based): chr14:95,105,210, G>C on the plus strand (C>G on the coding strand, the complement: DICER1 is on the minus strand). VCF-style: chr14-95105210-G-C. GRCh37 (hg19) VCF-style: chr14-95571547-G-C.
Other names: c.3130C>G, p.Pro1044Ala (NM_001195573.1, NM_001271282.3, NM_001291628.2 and 12 more transcripts); c.2848C>G, p.Pro950Ala (NM_001395686.1); c.2725C>G, p.Pro909Ala (NM_001395687.1, NM_001395688.1, NM_001395689.1 and 2 more transcripts); c.2563C>G, p.Pro855Ala (NM_001395691.1); c.1447C>G, p.Pro483Ala (NM_001395697.1); short protein forms P950A, P1044A, P483A, P855A, P909A.
Identifiers: ClinVar variation 4746805 (VCV004746805.1).